The following is an entry in ClinVar:

ClinVar aggregate classification (germline): Uncertain significance. Review status: criteria provided, multiple submitters, no conflicts (2 of 4 stars). 4 submissions from 4 submitters: Uncertain significance (4). Last evaluated 2025-01-18.

Conditions:
CIB2-related disorder. Also called: CIB2-related condition.
Inborn genetic diseases. Identifiers: MedGen C0950123, MeSH D030342.

Allele frequency attached by ClinVar (database versions not stated): ExAC 0.00003; gnomAD 0.00003 and 0.00004; gnomAD exomes 0.00003 and 0.00005; TOPMed 0.00006; ESP Exome Variant Server 0.00015.

Submissions (4):

PreventionGenetics, part of Exact Sciences
Classification: Uncertain significance for CIB2-related condition. Last evaluated: 2025-01-18. Review status: criteria provided, single submitter. Criteria: ACMG Guidelines, 2015. Collection method: clinical testing. Allele origin: germline.
Comment: The CIB2 c.1A>G variant is predicted to disrupt the translation initiation site (Start Loss). To our knowledge, this variant has not been reported in the literature. This variant is reported in 0.011% of alleles in individuals of Latino descent in gnomAD. At this time, the clinical significance of this variant is uncertain due to the absence of conclusive functional and genetic evidence.

Ambry Genetics
Classification: Uncertain significance for Inborn genetic diseases. Last evaluated: 2024-11-15. Review status: criteria provided, single submitter. Criteria: Ambry Variant Classification Scheme 2023. Collection method: clinical testing. Allele origin: germline.

Women's Health and Genetics/Laboratory Corporation of America, LabCorp
Classification: Uncertain significance. Last evaluated: 2023-11-05. Review status: criteria provided, single submitter. Criteria: LabCorp Variant Classification Summary - May 2015. Collection method: clinical testing. Allele origin: germline.

Labcorp Genetics (formerly Invitae), Labcorp
Classification: Uncertain significance. Last evaluated: 2022-08-09. Review status: criteria provided, single submitter. Criteria: Invitae Variant Classification Sherloc (09022015). Collection method: clinical testing. Allele origin: germline.
Comment: In summary, the available evidence is currently insufficient to determine the role of this variant in disease. Therefore, it has been classified as a Variant of Uncertain Significance. Algorithms developed to predict the effect of sequence changes on RNA splicing suggest that this variant may create or strengthen a splice site. Algorithms developed to predict the effect of missense changes on protein structure and function are either unavailable or do not agree on the potential impact of this missense change (SIFT: "Deleterious"; PolyPhen-2: "Benign"; Align-GVGD: "Class C0"). ClinVar contains an entry for this variant (Variation ID: 1053652). This variant has not been reported in the literature in individuals affected with CIB2-related conditions. This variant is present in population databases (rs142260703, gnomAD 0.009%). This sequence change replaces methionine, which is neutral and non-polar, with valine, which is neutral and non-polar, at codon 44 of the CIB2 protein (p.Met44Val).

NM_006383.4(CIB2):c.130A>G (p.Met44Val)

Gene: CIB2 (calcium and integrin binding family member 2; minus strand). Cytogenetic location: 15q25.1.
Variant type: single nucleotide variant.
Coding change: c.130A>G on transcript NM_006383.4 (MANE Select); coding-DNA position 130, A replaced by G.
Protein change: p.Met44Val; replaces methionine 44 with valine.
Molecular consequence: missense variant. On other transcripts: initiator codon variant (1), intron variant (2).
Genome position (GRCh38, 1-based): chr15:78,111,233, T>C on the plus strand (A>G on the coding strand, the complement: CIB2 is on the minus strand). VCF-style: chr15-78111233-T-C. GRCh37 (hg19) VCF-style: chr15-78403575-T-C.
Other names: c.130A>G (NM_006383.2); c.1A>G, p.Met1Val (NM_001271888.2); c.52-1851A>G (NM_001271889.2); c.87-1724A>G (NM_001301224.2); c.1A>G (NM_001271888.1); short protein forms M1V, M44V.
Identifiers: ClinVar variation 1053652 (VCV001053652.9), dbSNP rs142260703, ClinGen allele CA7680330.